The following is an entry in ClinVar:

ClinVar aggregate classification (germline): Conflicting classifications of pathogenicity. Review status: criteria provided, conflicting classifications (1 of 4 stars). 15 submissions from 15 submitters: Uncertain significance (4); Benign (2); Likely benign (4). 5 of the submissions do not count toward it. Last evaluated 2025-09-22.

Conditions:
BRCA2-related disorder. Also called: BRCA2-related condition; BRCA2-related disorders. Identifiers: MedGen CN239275.
BRCA2-related cancer predisposition. Identifiers: MedGen CN377758, MONDO:0700269.
Hereditary cancer-predisposing syndrome. Also called: Tumor predisposition; Neoplastic Syndromes, Hereditary; Hereditary neoplastic syndrome; Hereditary Cancer Syndrome. Identifiers: Orphanet 140162, MedGen C0027672, MeSH D009386, MONDO:0015356.
Hereditary breast ovarian cancer syndrome. Also called: Hereditary breast and ovarian cancer; BRCA1- and BRCA2-Associated Hereditary Breast and Ovarian Cancer; Hereditary breast and/or ovarian cancer syndrome; Hereditary breast and ovarian cancer syndrome; Breast and ovarian cancer; Hereditary breast and ovarian cancer syndrome (HBOC). Identifiers: Orphanet 145, MedGen C0677776, MeSH D061325, MONDO:0003582. Disease mechanism: loss of function.
Breast-ovarian cancer, familial, susceptibility to, 2 (BROVCA2). Also called: BRCA2 Hereditary Breast and Ovarian Cancer. Identifiers: Orphanet 145, MedGen C2675520, MONDO:0012933, OMIM 612555. Disease mechanism: loss of function.
Familial cancer of breast. Also called: BREAST CANCER, FAMILIAL; hereditary breast carcinoma; Hereditary breast cancer. Identifiers: Orphanet 227535, MedGen C0346153, MONDO:0016419, OMIM 114480. Disease mechanism: loss of function.
Malignant tumor of breast. Also called: Malignant breast neoplasm; Cancer breast. Identifiers: MedGen C0006142, MONDO:0007254. Disease mechanism: loss of function.

Allele frequency attached by ClinVar (database versions not stated): TOPMed below 0.00001; ExAC 0.00001; gnomAD exomes 0.00001 and 0.00002.
gnomAD v4.1: 27 of 1,612,772 alleles (0.0017%); highest among the groups gnomAD compares: East Asian, 0.0022%; 2 homozygotes.

Submissions (15):

Ambry Genetics
Classification: Likely benign for Hereditary cancer-predisposing syndrome. Last evaluated: 2025-09-22. Review status: criteria provided, single submitter. Criteria: Ambry Variant Classification Scheme 2023. Collection method: clinical testing. Allele origin: germline.

Labcorp Genetics (formerly Invitae), Labcorp
Classification: Uncertain significance for Hereditary breast ovarian cancer syndrome. Last evaluated: 2025-09-10. Review status: criteria provided, single submitter. Criteria: Invitae Variant Classification Sherloc (09022015). Collection method: clinical testing. Allele origin: germline.
Comment: This sequence change replaces isoleucine, which is neutral and non-polar, with valine, which is neutral and non-polar, at codon 27 of the BRCA2 protein (p.Ile27Val). This variant is present in population databases (rs80359034, gnomAD 0.002%). This missense change has been observed in individual(s) with a personal and/or family history of melanoma, pancreatic, breast and/or ovarian cancer (PMID: 20041885, 27062684, 32438681). This variant is also known as 307A>G. ClinVar contains an entry for this variant (Variation ID: 52467). Invitae Evidence Modeling of protein sequence and biophysical properties (such as structural, functional, and spatial information, amino acid conservation, physicochemical variation, residue mobility, and thermodynamic stability) indicates that this missense variant is not expected to disrupt BRCA2 protein function with a negative predictive value of 95%. Experimental studies have shown that this missense change does not substantially affect BRCA2 function (PMID: 16793542, 24323938, 32641407). RNA analysis performed to evaluate the impact of this missense change on mRNA splicing indicates it does not significantly alter splicing (PMID: 20215541, 22505045; internal data). In summary, the available evidence is currently insufficient to determine the role of this variant in disease. Therefore, it has been classified as a Variant of Uncertain Significance.

Blueprint Genetics
Classification: Likely benign. Last evaluated: 2024-05-23. Review status: criteria provided, single submitter. Criteria: ACMG Guidelines, 2015. Collection method: clinical testing. Allele origin: germline.

All of Us Research Program, National Institutes of Health
Classification: Benign for BRCA2-related cancer predisposition. Last evaluated: 2024-04-25. Review status: criteria provided, single submitter. Criteria: ACMG Guidelines, 2015. Collection method: clinical testing. Allele origin: germline. Inheritance: Autosomal dominant inheritance. Observed: 5 variant alleles, 4 heterozygotes, 1 homozygote.
Comment: This study involves interpretation of variants in research participants for the purpose of population health screening. Participant phenotype was not available at the time of variant classification. Additional details can be found in publication PMID: 35346344, PMCID: PMC8962531

Women's Health and Genetics/Laboratory Corporation of America, LabCorp
Classification: Likely benign. Last evaluated: 2024-02-26. Review status: criteria provided, single submitter. Criteria: LabCorp Variant Classification Summary - May 2015. Collection method: clinical testing. Allele origin: germline.
Comment: Variant summary: BRCA2 c.79A>G (p.Ile27Val) results in a conservative amino acid change in the encoded protein sequence. Five of five in-silico tools predict a benign effect of the variant on protein function. The variant allele was found at a frequency of 8e-06 in 250402 control chromosomes. The available data on variant occurrences in the general population are insufficient to allow any conclusion about variant significance. c.79A>G has been reported in the literature in individuals affected with Hereditary Breast And Ovarian Cancer Syndrome, without strong evidence for causality (example, Houdayer_2012, Bartsch_2010). These report(s) do not provide unequivocal conclusions about association of the variant with Hereditary Breast And Ovarian Cancer Syndrome. Co-occurrences with other pathogenic variant(s) have been reported (BRCA2 c.631G>A p.Val211Ile and c.7008-2A>T in one patient with Ovarian Cancer), providing supporting evidence for a benign role (Santonocito_2020). Multiple publications report experimental evidence evaluating an impact on protein function. These results showed no damaging effect of this variant using mESC complementation and HDR assay (example, Xia_2006, Caleca_2018, Thomassen_2022). The following publications have been ascertained in the context of this evaluation (PMID: 20041885, 24323938, 22505045, 19609323, 17899372, 32438681, 20215541, 35979650, 16793542). ClinVar contains an entry for this variant (Variation ID: 52467). Based on the evidence outlined above, the variant was classified as likely benign.

ARUP Laboratories, Molecular Genetics and Genomics, ARUP Laboratories
Classification: Likely benign. Last evaluated: 2024-01-02. Review status: criteria provided, single submitter. Criteria: ARUP Molecular Germline Variant Investigation Process 2024. Collection method: clinical testing. Allele origin: germline.

Baylor Genetics
Classification: Uncertain significance for Familial cancer of breast. Last evaluated: 2023-10-24. Review status: criteria provided, single submitter. Criteria: ACMG Guidelines, 2015. Collection method: clinical testing. Allele origin: unknown.

GeneDx
Classification: Uncertain significance. Last evaluated: 2021-02-22. Review status: criteria provided, single submitter. Criteria: GeneDx Variant Classification Process June 2021. Collection method: clinical testing. Allele origin: germline. Affected: yes.
Comment: Observed in individuals with melanoma, breast, ovarian, or pancreatic cancers, one of whom also carried a pathogenic BRCA2 variant however phase was unknown (Bartsch 2010, Sanz 2010, Azzollini 2016, Caleca 2018, Santonocito 2020, Wai 2020); Published functional studies demonstrate no damaging effect: similar to wild type in homologous recombination and double-strand break repair (HR/DSBR) activity, inhibition of HR/DSBR activity with over-expression, PALB2 binding activity, and nuclear localization (Xia 2006, Caleca 2018); In silico analysis supports that this missense variant does not alter protein structure/function; In silico analysis, which includes splice predictors and evolutionary conservation, suggests this variant may impact gene splicing, however splicing studies demonstrate mixed results (Pettigrew 2008, Sanz 2010, Tubeuf 2020); Not observed at a significant frequency in large population cohorts (Lek 2016); Also known as 307A>G; This variant is associated with the following publications: (PMID: 32438681, 24323938, 20041885, 17899372, 27062684, 32123317, 30410870, 16793542, 32641407, 20215541)

Quest Diagnostics Nichols Institute San Juan Capistrano
Classification: Uncertain significance. Last evaluated: 2019-11-15. Review status: criteria provided, single submitter. Criteria: Quest Diagnostics criteria. Collection method: clinical testing. Allele origin: unknown.

Color Diagnostics, LLC DBA Color Health
Classification: Benign for Hereditary cancer-predisposing syndrome. Last evaluated: 2016-05-24. Review status: criteria provided, single submitter. Criteria: ACMG Guidelines, 2015. Collection method: clinical testing. Allele origin: germline.

PreventionGenetics, part of Exact Sciences
Classification: Likely benign for BRCA2-related condition. Last evaluated: 2024-05-22. Review status: no assertion criteria provided. Collection method: clinical testing. Allele origin: germline. Not counted in ClinVar's aggregate classification.
Comment: This variant is classified as likely benign based on ACMG/AMP sequence variant interpretation guidelines (Richards et al. 2015 PMID: 25741868, with internal and published modifications).

BRCAlab, Lund University
Classification: Uncertain significance for Breast-ovarian cancer, familial, susceptibility to, 2. Last evaluated: 2020-03-02. Review status: no assertion criteria provided. Collection method: clinical testing. Allele origin: germline. Affected: yes. Not counted in ClinVar's aggregate classification.

Sharing Clinical Reports Project (SCRP)
Classification: Uncertain significance for Breast-ovarian cancer, familial 2. Last evaluated: 2010-03-09. Review status: no assertion criteria provided. Collection method: clinical testing. Allele origin: germline. Not counted in ClinVar's aggregate classification.

Breast Cancer Information Core (BIC) (BRCA2)
Classification: Uncertain significance for Breast-ovarian cancer, familial 2. Last evaluated: 2004-02-20. Review status: no assertion criteria provided. Collection method: clinical testing. Allele origin: germline. Affected: yes. Observed: 2 variant alleles. Not counted in ClinVar's aggregate classification.

Department of Pathology and Laboratory Medicine, Sinai Health System
Classification: Uncertain significance for Malignant tumor of breast. Review status: no assertion criteria provided. Collection method: clinical testing. Allele origin: unknown. Affected: yes. Observed: 2 variant alleles. Study: The Canadian Open Genetics Repository (COGR). Not counted in ClinVar's aggregate classification.

Literature cited by the submitters: PubMed 16793542 (cited by 4 submitters); PubMed 17899372 (cited by Ambry Genetics and Women's Health and Genetics/Laboratory Corporation of America, LabCorp); PubMed 20041885 (cited by 4 submitters); PubMed 27062684 (cited by 3 submitters); PubMed 32438681 (cited by 3 submitters); PubMed 24323938 (cited by Labcorp Genetics (formerly Invitae), Labcorp and Women's Health and Genetics/Laboratory Corporation of America, LabCorp); PubMed 32641407 (cited by Labcorp Genetics (formerly Invitae), Labcorp); PubMed 20215541 (cited by Labcorp Genetics (formerly Invitae), Labcorp and Women's Health and Genetics/Laboratory Corporation of America, LabCorp); PubMed 22505045 (cited by Labcorp Genetics (formerly Invitae), Labcorp and Women's Health and Genetics/Laboratory Corporation of America, LabCorp); PubMed 19609323 (cited by Women's Health and Genetics/Laboratory Corporation of America, LabCorp); PubMed 35979650 (cited by Women's Health and Genetics/Laboratory Corporation of America, LabCorp).

NM_000059.4(BRCA2):c.79A>G (p.Ile27Val)

Gene: BRCA2 (BRCA2 DNA repair associated; plus strand). Cytogenetic location: 13q13.1.
Variant type: single nucleotide variant.
Coding change: c.79A>G on transcript NM_000059.4 (MANE Select); coding-DNA position 79, A replaced by G.
Protein change: p.Ile27Val; replaces isoleucine 27 with valine.
Molecular consequence: missense variant.
Genome position (GRCh38, 1-based): chr13:32,319,088, A>G. VCF-style: chr13-32319088-A-G. GRCh37 (hg19) VCF-style: chr13-32893225-A-G.
Other names: 307A>G; short protein forms I27V.
Identifiers: ClinVar variation 52467 (VCV000052467.32), dbSNP rs80359034, ClinGen allele CA025394.